The following is an entry in ClinVar:

ClinVar aggregate classification (germline): Uncertain significance (1 of 4 stars; one submission).

Conditions:
Lowe syndrome (OCRL). Also called: LOWE OCULOCEREBRORENAL SYNDROME; PHOSPHATIDYLINOSITOL 4,5-BISPHOSPHATE 5-PHOSPHATASE DEFICIENCY; Oculocerebrorenal Syndrome. Identifiers: Orphanet 534, MedGen C0028860, MONDO:0010645, OMIM 309000.

Submission:

Labcorp Genetics (formerly Invitae), Labcorp
Classification: Uncertain significance for Lowe syndrome. Last evaluated: 2023-05-22. Review status: criteria provided, single submitter. Criteria: Invitae Variant Classification Sherloc (09022015). Collection method: clinical testing. Allele origin: germline.
Comment: This sequence change replaces glycine, which is neutral and non-polar, with alanine, which is neutral and non-polar, at codon 147 of the OCRL protein (p.Gly147Ala). This variant is not present in population databases (gnomAD no frequency). This variant has not been reported in the literature in individuals affected with OCRL-related conditions. ClinVar contains an entry for this variant (Variation ID: 1367188). An algorithm developed to predict the effect of missense changes on protein structure and function (PolyPhen-2) suggests that this variant is likely to be tolerated. In summary, the available evidence is currently insufficient to determine the role of this variant in disease. Therefore, it has been classified as a Variant of Uncertain Significance.

NM_000276.4(OCRL):c.440G>C (p.Gly147Ala)

Gene: OCRL (OCRL inositol polyphosphate-5-phosphatase; plus strand). Cytogenetic location: Xq26.1.
Variant type: single nucleotide variant.
Coding change: c.440G>C on transcript NM_000276.4 (MANE Select); coding-DNA position 440, G replaced by C.
Protein change: p.Gly147Ala; replaces glycine 147 with alanine.
Molecular consequence: missense variant.
Genome position (GRCh38, 1-based): chrX:129,558,633, G>C. VCF-style: chrX-129558633-G-C. GRCh37 (hg19) VCF-style: chrX-128692610-G-C.
Other names: c.443G>C, p.Gly148Ala (NM_001318784.2); c.440G>C, p.Gly147Ala (NM_001587.4); short protein forms G147A, G148A.
Identifiers: ClinVar variation 1367188 (VCV001367188.6), dbSNP rs2124402286, ClinGen allele CA414551255.